The following is an entry in ClinVar:

NM_005762.3(TRIM28):c.1392T>C (p.His464=)

Gene: TRIM28 (tripartite motif containing 28; plus strand). Cytogenetic location: 19q13.43.
Variant type: single nucleotide variant.
Coding change: c.1392T>C on transcript NM_005762.3 (MANE Select); coding-DNA position 1392, T replaced by C.
Protein change: p.His464=; no amino-acid change (histidine 464 retained).
Molecular consequence: synonymous variant.
Genome position (GRCh38, 1-based): chr19:58,548,893, T>C. VCF-style: chr19-58548893-T-C. GRCh37 (hg19) VCF-style: chr19-59060260-T-C.
Other names: c.1392T>C (NM_005762.2).
Identifiers: ClinVar variation 2650597 (VCV002650597.28), dbSNP rs150678798, ClinGen allele CA9719251.
Genomic context (GRCh38, chr19:58,548,893, plus strand): 5'-CTGCCAGTCTTCTTTCTCCATTTTCTAAGGAGATGATCCCTACTCAAGTGCAGAGCCCCA[T>C]GTGTCAGGTGTGAAACGGTAAGTATGGCACCTCCCCTGGGGGTGAGGTGGATGGAGGGTG-3'
Protein context (NP_005753.1, residues 454-474): GDDPYSSAEP[His464=]VSGVKRSRSG

ClinVar aggregate classification (germline): Likely benign. Review status: criteria provided, multiple submitters, no conflicts (2 of 4 stars). 3 submissions from 3 submitters: Likely benign (2). 1 of the submissions does not count toward it. Last evaluated 2026-08-01.

Conditions:
TRIM28-related disorder. Also called: TRIM28-related condition.

Allele frequency attached by ClinVar (database versions not stated): 1000 Genomes Project 30x 0.00016; 1000 Genomes Project 0.00020; ESP Exome Variant Server 0.00023; ExAC 0.00033; TOPMed 0.00043; gnomAD 0.00046.
gnomAD v4.1: 1,626 of 1,614,078 alleles (0.1%); highest among the groups gnomAD compares: Non-Finnish European, 0.13%; no homozygotes.

Submissions (3):

CeGaT Center for Human Genetics Tuebingen
Classification: Likely benign. Last evaluated: 2026-08-01. Review status: criteria provided, single submitter. Criteria: CeGaT Center For Human Genetics Tuebingen Variant Classification Criteria Version 2. Collection method: clinical testing. Allele origin: germline. Affected: yes. Observed: 4 variant alleles.
Comment: TRIM28: BP4, BP7

Labcorp Genetics (formerly Invitae), Labcorp
Classification: Likely benign. Last evaluated: 2025-12-17. Review status: criteria provided, single submitter. Criteria: Invitae Variant Classification Sherloc (09022015). Collection method: clinical testing. Allele origin: germline.

PreventionGenetics, part of Exact Sciences
Classification: Likely benign for TRIM28-related condition. Last evaluated: 2019-11-27. Review status: no assertion criteria provided. Collection method: clinical testing. Allele origin: germline. Not counted in ClinVar's aggregate classification.
Comment: This variant is classified as likely benign based on ACMG/AMP sequence variant interpretation guidelines (Richards et al. 2015 PMID: 25741868, with internal and published modifications).